The following is an entry in ClinVar:

NM_000053.4(ATP7B):c.1155_1157delinsC (p.Glu385fs)

Gene: ATP7B (ATPase copper transporting beta; minus strand). Cytogenetic location: 13q14.3.
Variant type: Indel.
Coding change: c.1155_1157delinsC on transcript NM_000053.4 (MANE Select); coding-DNA positions 1155 to 1157, AGG replaced by C.
Protein change: p.Glu385fs; shifts the reading frame from glutamic acid 385.
Molecular consequence: frameshift variant.
Genome position (GRCh38, 1-based): chr13:51,974,063-51,974,065, CCT replaced by G on the plus strand (AGG replaced by C on the coding strand, the reverse complement: ATP7B is on the minus strand). VCF-style: chr13-51974063-CCT-G. GRCh37 (hg19) VCF-style: chr13-52548199-CCT-G.
Other names: c.1155_1157delinsC, p.Glu385fs (NM_001005918.3, NM_001330578.2, NM_001330579.2 and 29 more transcripts); c.822_824delinsC, p.Glu274fs (NM_001243182.2); c.1059_1061delinsC, p.Glu353fs (NM_001406530.1, NM_001406536.1, NM_001406543.1 and 3 more transcripts); c.726_728delinsC, p.Glu242fs (NM_001406539.1); short protein forms E242fs, E274fs, E353fs, E385fs.
Identifiers: ClinVar variation 4757343 (VCV004757343.1).

ClinVar aggregate classification (germline): Pathogenic (1 of 4 stars; one submission).

Conditions:
Wilson disease (WND). Also called: Wilson's disease. Identifiers: Orphanet 905, MedGen C0019202, MONDO:0010200, OMIM 277900. Disease mechanism: loss of function.

Submission:

Color Diagnostics, LLC DBA Color Health
Classification: Pathogenic for Wilson disease. Last evaluated: 2025-06-24. Review status: criteria provided, single submitter. Criteria: ACMG Guidelines, 2015. Collection method: clinical testing. Allele origin: germline.
Comment: This variant deletes 4 nucleotides in exon 2 of the ATP7B gene, creating a frameshift and premature translation stop signal. This variant is expected to result in an absent or non-functional protein product. To our knowledge, this variant has not been reported in individuals affected with ATP7B-related disorders in the literature. This variant has not been identified in the general population by the Genome Aggregation Database (gnomAD). Loss of ATP7B function is a known mechanism of disease. Based on the available evidence, this variant is classified as Pathogenic.